The following is an entry in ClinVar:

ClinVar aggregate classification (germline): Uncertain significance (1 of 4 stars; one submission).

Allele frequency attached by ClinVar (database versions not stated): TOPMed 0.00001.
gnomAD v4.1: 2 of 1,610,618 alleles (0.00012%); highest among the groups gnomAD compares: Admixed American, 0.0017%; no homozygotes.

Submission:

Labcorp Genetics (formerly Invitae), Labcorp
Classification: Uncertain significance. Last evaluated: 2022-04-22. Review status: criteria provided, single submitter. Criteria: Invitae Variant Classification Sherloc (09022015). Collection method: clinical testing. Allele origin: germline.
Comment: This sequence change replaces proline, which is neutral and non-polar, with alanine, which is neutral and non-polar, at codon 487 of the ANLN protein (p.Pro487Ala). This variant is not present in population databases (gnomAD no frequency). This variant has not been reported in the literature in individuals affected with ANLN-related conditions. Algorithms developed to predict the effect of missense changes on protein structure and function output the following: SIFT: "Tolerated"; PolyPhen-2: "Benign"; Align-GVGD: "Class C0". The alanine amino acid residue is found in multiple mammalian species, which suggests that this missense change does not adversely affect protein function. In summary, the available evidence is currently insufficient to determine the role of this variant in disease. Therefore, it has been classified as a Variant of Uncertain Significance.

NM_018685.5(ANLN):c.1459C>G (p.Pro487Ala)

Gene: ANLN (anillin, actin binding protein; plus strand). Cytogenetic location: 7p14.2.
Variant type: single nucleotide variant.
Coding change: c.1459C>G on transcript NM_018685.5 (MANE Select); coding-DNA position 1459, C replaced by G.
Protein change: p.Pro487Ala; replaces proline 487 with alanine.
Molecular consequence: missense variant.
Genome position (GRCh38, 1-based): chr7:36,415,821, C>G. VCF-style: chr7-36415821-C-G. GRCh37 (hg19) VCF-style: chr7-36455430-C-G.
Other names: c.1459C>G, p.Pro487Ala (NM_001284301.3, NM_001284302.3); short protein forms P487A.
Identifiers: ClinVar variation 2129330 (VCV002129330.4), dbSNP rs1562798833, ClinGen allele CA367211232.